The following is an entry in ClinVar:

NM_006231.4(POLE):c.2319+1G>C

Gene: POLE (DNA polymerase epsilon, catalytic subunit; minus strand). Cytogenetic location: 12q24.33.
Variant type: single nucleotide variant.
Coding change: c.2319+1G>C on transcript NM_006231.4 (MANE Select); the canonical splice donor site of the intron after coding-DNA position 2319, G replaced by C.
Molecular consequence: splice donor variant.
Genome position (GRCh38, 1-based): chr12:132,667,502, C>G on the plus strand (G>C on the coding strand, the complement: POLE is on the minus strand). VCF-style: chr12-132667502-C-G. GRCh37 (hg19) VCF-style: chr12-133244088-C-G.
Identifiers: ClinVar variation 2743825 (VCV002743825.3), dbSNP rs2135969134, ClinGen allele CA387352059.

ClinVar aggregate classification (germline): Likely pathogenic (1 of 4 stars; one submission).

Submission:

Labcorp Genetics (formerly Invitae), Labcorp
Classification: Likely pathogenic. Last evaluated: 2023-07-16. Review status: criteria provided, single submitter. Criteria: Invitae Variant Classification Sherloc (09022015). Collection method: clinical testing. Allele origin: germline.
Comment: This sequence change affects a donor splice site in intron 20 of the POLE gene. It is expected to disrupt RNA splicing. Variants that disrupt the donor or acceptor splice site typically lead to a loss of protein function (PMID: 16199547), and loss-of-function variants in POLE are known to be pathogenic (PMID: 23230001, 25948378, 30503519). This variant is not present in population databases (gnomAD no frequency). This variant has not been reported in the literature in individuals affected with POLE-related conditions. Algorithms developed to predict the effect of sequence changes on RNA splicing suggest that this variant may disrupt the consensus splice site. In summary, the currently available evidence indicates that the variant is pathogenic, but additional data are needed to prove that conclusively. Therefore, this variant has been classified as Likely Pathogenic.

Literature cited by the submitters: PubMed 16199547; PubMed 23230001; PubMed 25948378; PubMed 30503519.